The following is an entry in ClinVar:

ClinVar aggregate classification (germline): Uncertain significance. Review status: criteria provided, multiple submitters, no conflicts (2 of 4 stars). 2 submissions from 2 submitters: Uncertain significance (2). Last evaluated 2025-07-21.

Conditions:
Inborn genetic diseases. Identifiers: MedGen C0950123, MeSH D030342.

Submissions (2):

Ambry Genetics
Classification: Uncertain significance for Inborn genetic diseases. Last evaluated: 2025-07-21. Review status: criteria provided, single submitter. Criteria: Ambry Variant Classification Scheme 2023. Collection method: clinical testing. Allele origin: germline.

Greenwood Genetic Center Diagnostic Laboratories, Greenwood Genetic Center
Classification: Uncertain significance. Last evaluated: 2024-03-26. Review status: criteria provided, single submitter. Criteria: ACMG Guidelines, 2015. Collection method: clinical testing. Allele origin: germline. Affected: yes.
Comment: PM2

NM_001378778.1(MPDZ):c.1675T>C (p.Phe559Leu)

Gene: MPDZ (multiple PDZ domain crumbs cell polarity complex component; minus strand). Cytogenetic location: 9p23.
Variant type: single nucleotide variant.
Coding change: c.1675T>C on transcript NM_001378778.1 (MANE Select); coding-DNA position 1675, T replaced by C.
Protein change: p.Phe559Leu; replaces phenylalanine 559 with leucine.
Molecular consequence: missense variant.
Genome position (GRCh38, 1-based): chr9:13,193,295, A>G on the plus strand (T>C on the coding strand, the complement: MPDZ is on the minus strand). VCF-style: chr9-13193295-A-G. GRCh37 (hg19) VCF-style: chr9-13193294-A-G.
Other names: c.1675T>C, p.Phe559Leu (NM_001261406.2, NM_001261407.2, NM_001330637.2 and 14 more transcripts); c.1675T>C (NM_003829.3); short protein forms F559L.
Identifiers: ClinVar variation 3235820 (VCV003235820.2), dbSNP rs2494472009, ClinGen allele CA372940361.
Genomic context (GRCh38, chr9:13,193,295, plus strand): 5'-GGATAAAATGATGTCCCACTGTCGCTTCCAGGCTTATCCCCAATCCACTGTTCTCACTAA[A>G]CTTGCTCACATGGGCCACCTGAAAAGAAAAAAAAAAAGATCACCACAATTTTTATATTCT-3'
Protein context (NP_001365707.1, residues 549-569): YEIVVAHVSK[Phe559Leu]SENSGLGISL